The following is an entry in ClinVar:

ClinVar aggregate classification (germline): Uncertain significance (1 of 4 stars; one submission).

Conditions:
Neuronal ceroid lipofuscinosis 1 (CLN1). Also called: CEROID LIPOFUSCINOSIS, NEURONAL, 1, VARIABLE AGE AT ONSET; PPT1-Related Neuronal Ceroid-Lipofuscinosis. Identifiers: Orphanet 228329, MedGen C1850451, MONDO:0009744, OMIM 256730.

Submission:

Labcorp Genetics (formerly Invitae), Labcorp
Classification: Uncertain significance for Neuronal ceroid lipofuscinosis 1. Last evaluated: 2020-03-12. Review status: criteria provided, single submitter. Criteria: Invitae Variant Classification Sherloc (09022015). Collection method: clinical testing. Allele origin: germline.
Comment: This variant is not present in population databases (ExAC no frequency). This sequence change replaces methionine with valine at codon 112 of the PPT1 protein (p.Met112Val). The methionine residue is moderately conserved and there is a small physicochemical difference between methionine and valine. This variant has not been reported in the literature in individuals with PPT1-related conditions. In summary, the available evidence is currently insufficient to determine the role of this variant in disease. Therefore, it has been classified as a Variant of Uncertain Significance. Algorithms developed to predict the effect of missense changes on protein structure and function (SIFT, PolyPhen-2, Align-GVGD) all suggest that this variant is likely to be tolerated, but these predictions have not been confirmed by published functional studies and their clinical significance is uncertain.

NM_000310.4(PPT1):c.334A>G (p.Met112Val)

Gene: PPT1 (palmitoyl-protein thioesterase 1; minus strand). Cytogenetic location: 1p34.2.
Variant type: single nucleotide variant.
Coding change: c.334A>G on transcript NM_000310.4 (MANE Select); coding-DNA position 334, A replaced by G.
Protein change: p.Met112Val; replaces methionine 112 with valine.
Molecular consequence: missense variant. On other transcripts: intron variant (1).
Genome position (GRCh38, 1-based): chr1:40,092,073, T>C on the plus strand (A>G on the coding strand, the complement: PPT1 is on the minus strand). VCF-style: chr1-40092073-T-C. GRCh37 (hg19) VCF-style: chr1-40557745-T-C.
Other names: c.334A>G, p.Met112Val (NM_001363695.2); c.125-2561A>G (NM_001142604.2); short protein forms M112V.
Identifiers: ClinVar variation 1061444 (VCV001061444.9), dbSNP rs760532726, ClinGen allele CA339849016.